The following is an entry in ClinVar:

ClinVar aggregate classification (germline): Pathogenic/Likely pathogenic. Review status: criteria provided, multiple submitters, no conflicts (2 of 4 stars). 4 submissions from 4 submitters: Pathogenic (2); Likely pathogenic (2). Last evaluated 2025-12-22.

Conditions:
CKAP2L-related disorder. Also called: CKAP2L-related condition.
Filippi syndrome (FLPIS). Identifiers: Orphanet 3255, MedGen C0795940, MONDO:0010092, OMIM 272440.

Submissions (4):

GeneDx
Classification: Pathogenic. Last evaluated: 2025-12-22. Review status: criteria provided, single submitter. Criteria: GeneDx Variant Classification Process June 2021. Collection method: clinical testing. Allele origin: germline. Affected: yes.
Comment: Frameshift variant predicted to result in protein truncation or nonsense mediated decay in a gene for which loss of function is a known mechanism of disease; Has not been previously published as pathogenic or benign to our knowledge; This variant is associated with the following publications: (PMID: Silva2025_meeting abstract)

Blueprint Genetics
Classification: Likely pathogenic for CKAP2L-related disorders. Last evaluated: 2023-10-23. Review status: criteria provided, single submitter. Criteria: ACMG Guidelines, 2015. Collection method: clinical testing. Allele origin: germline. Affected: yes. Observed: 5 variant alleles.

Labcorp Genetics (formerly Invitae), Labcorp
Classification: Pathogenic. Last evaluated: 2023-06-03. Review status: criteria provided, single submitter. Criteria: Invitae Variant Classification Sherloc (09022015). Collection method: clinical testing. Allele origin: germline.
Comment: For these reasons, this variant has been classified as Pathogenic. ClinVar contains an entry for this variant (Variation ID: 451430). This variant has not been reported in the literature in individuals affected with CKAP2L-related conditions. This variant is present in population databases (rs755184431, gnomAD 0.03%). This sequence change creates a premature translational stop signal (p.Gln364Hisfs*16) in the CKAP2L gene. It is expected to result in an absent or disrupted protein product. Loss-of-function variants in CKAP2L are known to be pathogenic (PMID: 25439729).

Fulgent Genetics
Classification: Likely pathogenic for Filippi syndrome. Last evaluated: 2022-05-11. Review status: criteria provided, single submitter. Criteria: ACMG Guidelines, 2015. Collection method: clinical testing. Allele origin: unknown.

Literature cited by the submitters: PubMed 25439729 (cited by Labcorp Genetics (formerly Invitae), Labcorp).

NM_152515.5(CKAP2L):c.1092_1093del (p.Gln364fs)

Gene: CKAP2L (cytoskeleton associated protein 2L; minus strand). Cytogenetic location: 2q14.1.
Variant type: Deletion.
Coding change: c.1092_1093del on transcript NM_152515.5 (MANE Select); coding-DNA positions 1092 to 1093, 2 bases deleted (GA; older notation c.1092_1093delGA).
Protein change: p.Gln364fs; shifts the reading frame from glutamine 364.
Molecular consequence: frameshift variant.
Genome position (GRCh38, 1-based): chr2:112,756,278-112,756,279, TC deleted on the plus strand (GA on the coding strand, the reverse complement: CKAP2L is on the minus strand); deleting any 2 consecutive bases within chr2:112,756,278-112,756,280 gives the same sequence; the c. name uses the placement nearest the transcript's 3' end. VCF-style (leftmost placement, unchanged base first): chr2-112756277-GTC-G. GRCh37 (hg19) VCF-style: chr2-113513854-GTC-G.
Other names: c.1092_1093del (NM_152515.4); c.597_598del, p.Gln199fs (NM_001304361.2); short protein forms Q364fs, Q199fs.
Identifiers: ClinVar variation 451430 (VCV000451430.11), dbSNP rs755184431, ClinGen allele CA1836731.